The following is an entry in ClinVar:

NM_000135.4(FANCA):c.3850G>A (p.Ala1284Thr)

Genes: FANCA (FA complementation group A; minus strand), ZNF276 (zinc finger protein 276; plus strand). Cytogenetic location: 16q24.3.
Variant type: single nucleotide variant.
Coding change: c.3850G>A on transcript NM_000135.4 (MANE Select); coding-DNA position 3850, G replaced by A.
Protein change: p.Ala1284Thr; replaces alanine 1284 with threonine.
Molecular consequence: missense variant. On other transcripts: 3 prime UTR variant (2), non-coding transcript variant (4).
Genome position (GRCh38, 1-based): chr16:89,740,078, C>T on the plus strand (G>A on the coding strand, the complement: FANCA is on the minus strand). VCF-style: chr16-89740078-C-T. GRCh37 (hg19) VCF-style: chr16-89806486-C-T.
Other names: p.Ala1284Thr; c.3850G>A, p.Ala1284Thr (NM_001286167.3); c.*1832C>T (NM_001113525.2, NM_152287.4); c.3850G>A (NM_000135.3); short protein forms A1284T.
Identifiers: ClinVar variation 526419 (VCV000526419.24), dbSNP rs142919010, ClinGen allele CA8250924.

ClinVar aggregate classification (germline): Conflicting classifications of pathogenicity. Review status: criteria provided, conflicting classifications (1 of 4 stars). 10 submissions from 10 submitters: Uncertain significance (5); Likely benign (3). 2 of the submissions do not count toward it. Last evaluated 2026-01-31.

Conditions:
Inborn genetic diseases. Identifiers: MedGen C0950123, MeSH D030342.
FANCA-related disorder. Also called: FANCA-related condition.
Fanconi anemia complementation group A (FANCA). Also called: Fanconi anemia, group A; FANCA-Related Fanconi Anemia. Identifiers: Orphanet 84, MedGen C3469521, MONDO:0009215, OMIM 227650.
Fanconi anemia (FA). Also called: Fanconi's anemia. Identifiers: Orphanet 84, MedGen C0015625, MeSH D005199, MONDO:0019391.

Allele frequency attached by ClinVar (database versions not stated): 1000 Genomes Project 0.00020; TOPMed 0.00021; 1000 Genomes Project 30x 0.00031; ESP Exome Variant Server 0.00031.
gnomAD v4.1: 82 of 1,614,154 alleles (0.0051%); highest among the groups gnomAD compares: African/African-American, 0.091%; no homozygotes.

Submissions (10):

Labcorp Genetics (formerly Invitae), Labcorp
Classification: Likely benign for Fanconi anemia. Last evaluated: 2026-01-31. Review status: criteria provided, single submitter. Criteria: Invitae Variant Classification Sherloc (09022015). Collection method: clinical testing. Allele origin: germline.

GeneDx
Classification: Uncertain significance. Last evaluated: 2024-12-12. Review status: criteria provided, single submitter. Criteria: GeneDx Variant Classification Process June 2021. Collection method: clinical testing. Allele origin: germline. Affected: yes.
Comment: In silico analysis indicates that this missense variant does not alter protein structure/function; Has not been previously published as pathogenic or benign to our knowledge

Ambry Genetics
Classification: Likely benign for Inborn genetic diseases. Last evaluated: 2024-10-04. Review status: criteria provided, single submitter. Criteria: Ambry Variant Classification Scheme 2023. Collection method: clinical testing. Allele origin: germline.

Quest Diagnostics Nichols Institute San Juan Capistrano
Classification: Uncertain significance. Last evaluated: 2024-09-09. Review status: criteria provided, single submitter. Criteria: Quest Diagnostics criteria. Collection method: clinical testing. Allele origin: unknown.
Comment: The FANCA c.3850G>A (p.Ala1284Thr) variant has not been reported in individuals with FANCA-related conditions in the published literature. The frequency of this variant in the general population, 0.00076 (19/24972 chromosomes (Genome Aggregation Database)), is uninformative in the assessment of its pathogenicity. Analysis of this variant using bioinformatics tools for the prediction of the effect of amino acid changes on protein structure and function yielded predictions that this variant is benign. Based on the available information, we are unable to determine the clinical significance of this variant.

St. Jude Molecular Pathology, St. Jude Children's Research Hospital
Classification: Uncertain significance for Fanconi anemia complementation group A. Last evaluated: 2022-11-15. Review status: criteria provided, single submitter. Criteria: St. Jude Assertion Criteria 2020. Collection method: clinical testing. Allele origin: germline.
Comment: The FANCA c.3850G>A (p.Ala1284Thr) missense change has a maximum subpopulation frequency of 0.076% in gnomAD v2.1.1. The in silico tool REVEL predicts a benign effect on protein function, but to our knowledge this prediction has not been confirmed by functional studies. To our knowledge, this variant has not been reported in individuals with Fanconi anemia. In summary, the evidence currently available is insufficient to determine the clinical significance of this variant. It has therefore been classified as of uncertain significance.

Blueprint Genetics
Classification: Likely benign. Last evaluated: 2022-07-14. Review status: criteria provided, single submitter. Criteria: ACMG Guidelines, 2015. Collection method: clinical testing. Allele origin: germline.

Mayo Clinic Laboratories, Mayo Clinic
Classification: Uncertain significance. Last evaluated: 2021-08-17. Review status: criteria provided, single submitter. Criteria: ACMG Guidelines, 2015. Collection method: clinical testing. Allele origin: germline.

Revvity Omics, Revvity
Classification: Uncertain significance for Fanconi anemia complementation group A. Last evaluated: 2019-05-06. Review status: criteria provided, single submitter. Criteria: ACMG Guidelines, 2015. Collection method: clinical testing. Allele origin: germline.

PreventionGenetics, part of Exact Sciences
Classification: Uncertain significance for FANCA-related condition. Last evaluated: 2024-09-24. Review status: no assertion criteria provided. Collection method: clinical testing. Allele origin: germline. Not counted in ClinVar's aggregate classification.
Comment: The FANCA c.3850G>A variant is predicted to result in the amino acid substitution p.Ala1284Thr. To our knowledge, this variant has not been reported in the literature. This variant is reported in 0.076% of alleles in individuals of African descent in gnomAD. The majority of ClinVar submitters classify this variant as a variant of uncertain significance. At this time, the clinical significance of this variant is uncertain due to the absence of conclusive functional and genetic evidence.

Natera, Inc.
Classification: Uncertain significance for Fanconi anemia, group A. Last evaluated: 2019-10-28. Review status: no assertion criteria provided. Collection method: clinical testing. Allele origin: germline. Not counted in ClinVar's aggregate classification.

Literature cited by the submitters: PubMed 27224906 (cited by Quest Diagnostics Nichols Institute San Juan Capistrano).